The following is an entry in ClinVar:

ClinVar aggregate classification (germline): Likely pathogenic. Review status: criteria provided, multiple submitters, no conflicts (2 of 4 stars). 2 submissions from 2 submitters: Likely pathogenic (2). Last evaluated 2016-09-06.

Conditions:
Leigh syndrome (NULS). Also called: Leigh Disease; LEIGH SYNDROME, NUCLEAR; Leigh Syndrome (mtDNA deletion); Leigh's syndrome; Subacute necrotizing encephalopathy; Necrotizing encephalopathy infantile subacute of Leigh. Identifiers: Orphanet 506, MedGen C2931891, MONDO:0009723, OMIM 256000.

Submissions (2):

Women's Health and Genetics/Laboratory Corporation of America, LabCorp
Classification: Likely pathogenic for Leigh syndrome. Last evaluated: 2016-09-06. Review status: criteria provided, single submitter. Criteria: LabCorp Variant Classification Summary - May 2015. Collection method: clinical testing. Allele origin: germline.
Comment: Variant summary: The SURF1 c.106+1G>C variant involves the alteration of a highly conserved canonical intronic nucleotide at the splice donor site in intron 2. 5/5 splice prediction tools predict that this variant abolishes the 5' splicing donor site. However, these predictions have yet to be confirmed by functional studies. This variant was found in 1/11676 control chromosomes at a frequency of 0.0000856, which does not exceed the estimated maximal expected allele frequency of a pathogenic SURF1 variant (0.0017678). In a published study, this variant has been reported in one LS patient in homozygous state (Lee_2012). In another unpublished report, the variant has been reported in one LS patient in homozygous state, parents being heterozygous carriers and functional study showed skipping of exon 2 (Akkouh I_Thesis_2015 (Department of Molecular Biosciences, Unversity of Oslo)). In addition, one clinical diagnostic laboratory classified this variant as likely pathogenic. Taken together, this variant is classified as likely pathogenic until other published results are reported.

UCLA Clinical Genomics Center, UCLA
Classification: Likely pathogenic for Leigh's disease. Last evaluated: 2012-06-12. Review status: criteria provided, single submitter. Criteria: Lee et al. (JAMA. 2014). Collection method: clinical testing. Allele origin: germline. Inheritance: Autosomal recessive inheritance. Affected: yes. Study: CES.

Literature cited by the submitters: PubMed 22488715 (cited by Women's Health and Genetics/Laboratory Corporation of America, LabCorp).

NM_003172.4(SURF1):c.106+1G>C

Gene: SURF1 (SURF1 cytochrome c oxidase assembly factor; minus strand). Cytogenetic location: 9q34.2.
Variant type: single nucleotide variant.
Coding change: c.106+1G>C on transcript NM_003172.4 (MANE Select); the canonical splice donor site of the intron after coding-DNA position 106, G replaced by C.
Molecular consequence: splice donor variant. On other transcripts: intron variant (1).
Genome position (GRCh38, 1-based): chr9:133,356,268, C>G on the plus strand (G>C on the coding strand, the complement: SURF1 is on the minus strand). VCF-style: chr9-133356268-C-G. GRCh37 (hg19) VCF-style: chr9-136223123-C-G.
Other names: c.-222+132G>C (NM_001280787.1).
Identifiers: ClinVar variation 217008 (VCV000217008.2), dbSNP rs863224926, ClinGen allele CA278935.
Genomic context (GRCh38, chr9:133,356,268, plus strand): 5'-GGGCAGACAGCAGGTGGCTCTGCCCAGGCGCCTGGATCACAGCCCGGCCTGCAGCCCTCA[C>G]CTGGGCGCGGGGAGACCCTGAGGACGCTCCTCCAGGCGGCGCTGGCCGGGGCCTGCGGAC-3'